The following is an entry in ClinVar:

ClinVar aggregate classification (germline): Uncertain significance (1 of 4 stars; one submission).

Submission:

Ambry Genetics
Classification: Uncertain significance. Last evaluated: 2025-10-28. Review status: criteria provided, single submitter. Criteria: Ambry Variant Classification Scheme 2023. Collection method: clinical testing. Allele origin: germline.
Comment: The p.L1268M variant (also known as c.3802C>A), located in coding exon 34 of the KIF1B gene, results from a C to A substitution at nucleotide position 3802. The leucine at codon 1268 is replaced by methionine, an amino acid with highly similar properties. This amino acid position is conserved. In addition, the in silico prediction for this alteration is inconclusive. Based on the available evidence, the clinical significance of this variant remains unclear.

NM_001365951.3(KIF1B):c.3940C>A (p.Leu1314Met)

Gene: KIF1B (kinesin family member 1B; plus strand). Cytogenetic location: 1p36.22.
Variant type: single nucleotide variant.
Coding change: c.3940C>A on transcript NM_001365951.3 (MANE Select); coding-DNA position 3940, C replaced by A.
Protein change: p.Leu1314Met; replaces leucine 1314 with methionine.
Molecular consequence: missense variant.
Genome position (GRCh38, 1-based): chr1:10,348,724, C>A. VCF-style: chr1-10348724-C-A. GRCh37 (hg19) VCF-style: chr1-10408782-C-A.
Other names: c.3940C>A, p.Leu1314Met (NM_001365952.1); c.3802C>A, p.Leu1268Met (NM_015074.3); short protein forms L1314M, L1268M.
Identifiers: ClinVar variation 4543659 (VCV004543659.1).
Genomic context (GRCh38, chr1:10,348,724, plus strand): 5'-ATCACAGTGACCATTATCCATGAGAAGGGGAGCGAGCTCCATTGGAAAGATGTTCGTGAA[C>A]TGGTGGTAGGTGAGTACGTTTCATCAGCCAAGGATAGAACCAGGACTTACAGAGATTTTT-3'
Protein context (NP_001352880.1, residues 1304-1324): SELHWKDVRE[Leu1314Met]VVGRIRNKPE